The following is an entry in ClinVar:

ClinVar aggregate classification (germline): Uncertain significance (1 of 4 stars; one submission).

Conditions:
Lymphatic malformation 9. Identifiers: MedGen C5543365, MONDO:0030270, OMIM 619319.

gnomAD v4.1: 1 of 1,612,778 alleles (0.000062%); highest among the groups gnomAD compares: Non-Finnish European, 0.000085%; no homozygotes.

Submission:

Dasa
Classification: Uncertain significance for Lymphatic malformation 9. Last evaluated: 2026-01-27. Review status: criteria provided, single submitter. Criteria: DASA Assertion Criteria. Collection method: clinical testing. Allele origin: germline.
Comment: NM_001378328.1(CELSR1):c.1004C>T (p.Ala335Val) is a missense variant that results in the substitution of alanine with valine. This variant is rare in population databases. The currently available literature and clinical evidence are not sufficient to establish a definitive association between this variant and the reported condition. Therefore, this variant is classified as a variant of uncertain significance.

NM_001378328.1(CELSR1):c.1004C>T (p.Ala335Val)

Gene: CELSR1 (cadherin EGF LAG seven-pass G-type receptor 1; minus strand). Cytogenetic location: 22q13.31.
Variant type: single nucleotide variant.
Coding change: c.1004C>T on transcript NM_001378328.1 (MANE Select); coding-DNA position 1004, C replaced by T.
Protein change: p.Ala335Val; replaces alanine 335 with valine.
Molecular consequence: missense variant.
Genome position (GRCh38, 1-based): chr22:46,536,167, G>A on the plus strand (C>T on the coding strand, the complement: CELSR1 is on the minus strand). VCF-style: chr22-46536167-G-A. GRCh37 (hg19) VCF-style: chr22-46932064-G-A.
Other names: c.1004C>T, p.Ala335Val (NM_014246.4); short protein forms A335V.
Identifiers: ClinVar variation 4883836 (VCV004883836.2).